The following is an entry in ClinVar:

NM_001110556.2(FLNA):c.6908-2A>T

Gene: FLNA (filamin A; minus strand). Cytogenetic location: Xq28.
Variant type: single nucleotide variant.
Coding change: c.6908-2A>T on transcript NM_001110556.2 (MANE Select); the canonical splice acceptor site of the intron before coding-DNA position 6908, A replaced by T.
Molecular consequence: splice acceptor variant.
Genome position (GRCh38, 1-based): chrX:154,351,698, T>A on the plus strand (A>T on the coding strand, the complement: FLNA is on the minus strand). VCF-style: chrX-154351698-T-A. GRCh37 (hg19) VCF-style: chrX-153580066-T-A.
Other names: c.6884-2A>T (NM_001456.4).
Identifiers: ClinVar variation 4787107 (VCV004787107.1).

ClinVar aggregate classification (germline): Pathogenic (1 of 4 stars; one submission).

Conditions:
Heterotopia, periventricular, X-linked dominant (PVNH1). Also called: PERIVENTRICULAR NODULAR HETEROTOPIA 4; HETEROTOPIA, PERIVENTRICULAR, 1; PERIVENTRICULAR NODULAR HETEROTOPIA 1; X-linked periventricular heterotopia. Identifiers: Orphanet 2149, Orphanet 82004, MedGen C1848213, MONDO:0010233, OMIM 300049.
Oto-palato-digital syndrome, type II (OPD2). Also called: Otopalatodigital Syndrome, Type II; FACIOPALATOOSSEOUS SYNDROME; OPD II SYNDROME; Otopalatodigital Syndrome Type 2 (FLNA-OPD2). Identifiers: Orphanet 669, Orphanet 90652, MedGen C1844696, MONDO:0010571, OMIM 304120.
Melnick-Needles syndrome (MNS). Also called: MELNICK-NEEDLES OSTEODYSPLASTY; OSTEODYSPLASTY OF MELNICK AND NEEDLES; Melnick-Needles Syndrome (FLNA-MNS). Identifiers: Orphanet 2484, MedGen C0025237, MONDO:0010650, OMIM 309350.
Frontometaphyseal dysplasia (FMD1). Identifiers: Orphanet 1826, MedGen C0265293, MONDO:0015942.

Submission:

Labcorp Genetics (formerly Invitae), Labcorp
Classification: Pathogenic for Oto-palato-digital syndrome, type II; Heterotopia, periventricular, X-linked dominant; Frontometaphyseal dysplasia; Melnick-Needles syndrome. Last evaluated: 2025-12-22. Review status: criteria provided, single submitter. Criteria: Invitae Variant Classification Sherloc (09022015). Collection method: clinical testing. Allele origin: germline.
Comment: This sequence change affects an acceptor splice site in intron 41 of the FLNA gene. It is expected to disrupt RNA splicing. Variants that disrupt the donor or acceptor splice site typically lead to a loss of protein function (PMID: 16199547), and loss-of-function variants in FLNA are known to be pathogenic (PMID: 16684786, 20730588, 26471271). This variant is not present in population databases (gnomAD no frequency). Disruption of this splice site has been observed in individuals with periventricular nodular heterotopia (PMID: 26471271; internal data). Algorithms developed to predict the effect of sequence changes on RNA splicing suggest that this variant may disrupt the consensus splice site. For these reasons, this variant has been classified as Pathogenic.

Literature cited by the submitters: PubMed 16199547; PubMed 16684786; PubMed 20730588; PubMed 26471271.